The following is an entry in ClinVar:

ClinVar aggregate classification (germline): Uncertain significance (1 of 4 stars; one submission).

Conditions:
Hereditary cancer-predisposing syndrome. Also called: Neoplastic Syndromes, Hereditary; Tumor predisposition; Hereditary Cancer Syndrome; Hereditary neoplastic syndrome. Identifiers: Orphanet 140162, MedGen C0027672, MeSH D009386, MONDO:0015356.

gnomAD v4.1: 2 of 1,614,148 alleles (0.00012%); highest among the groups gnomAD compares: Non-Finnish European, 0.00017%; no homozygotes.

Submission:

Ambry Genetics
Classification: Uncertain significance for Hereditary cancer-predisposing syndrome. Last evaluated: 2025-11-25. Review status: criteria provided, single submitter. Criteria: Ambry Variant Classification Scheme 2023. Collection method: clinical testing. Allele origin: germline.
Comment: The p.S540C variant (also known as c.1618A>T), located in coding exon 14 of the FANCC gene, results from an A to T substitution at nucleotide position 1618. The serine at codon 540 is replaced by cysteine, an amino acid with dissimilar properties. This amino acid position is conserved. In addition, this alteration is predicted to be tolerated by in silico analysis. Based on the available evidence, the clinical significance of this variant remains unclear.

NM_000136.3(FANCC):c.1618A>T (p.Ser540Cys)

Genes: AOPEP (aminopeptidase O (putative); plus strand), FANCC (FA complementation group C; minus strand). Cytogenetic location: 9q22.32.
Variant type: single nucleotide variant.
Coding change: c.1618A>T on transcript NM_000136.3 (MANE Select); coding-DNA position 1618, A replaced by T.
Protein change: p.Ser540Cys; replaces serine 540 with cysteine.
Molecular consequence: missense variant.
Genome position (GRCh38, 1-based): chr9:95,101,766, T>A on the plus strand (A>T on the coding strand, the complement: FANCC is on the minus strand). VCF-style: chr9-95101766-T-A. GRCh37 (hg19) VCF-style: chr9-97864048-T-A.
Other names: c.1618A>T, p.Ser540Cys (NM_001243743.2); short protein forms S540C.
Identifiers: ClinVar variation 4641216 (VCV004641216.1).